The following is an entry in ClinVar:

NM_012330.4(KAT6B):c.6169A>G (p.Met2057Val)

Gene: KAT6B (lysine acetyltransferase 6B; plus strand). Cytogenetic location: 10q22.2.
Variant type: single nucleotide variant.
Coding change: c.6169A>G on transcript NM_012330.4 (MANE Select); coding-DNA position 6169, A replaced by G.
Protein change: p.Met2057Val; replaces methionine 2057 with valine.
Molecular consequence: missense variant.
Genome position (GRCh38, 1-based): chr10:75,030,993, A>G. VCF-style: chr10-75030993-A-G. GRCh37 (hg19) VCF-style: chr10-76790751-A-G.
Other names: c.5620A>G, p.Met1874Val (NM_001256468.2, NM_001370138.1); c.5293A>G, p.Met1765Val (NM_001256469.2, NM_001370139.1, NM_001370140.1 and 2 more transcripts); c.5131A>G, p.Met1711Val (NM_001370132.1); c.4480A>G, p.Met1494Val (NM_001370133.1); c.4084A>G, p.Met1362Val (NM_001370134.1); c.3826A>G, p.Met1276Val (NM_001370135.1); c.6169A>G, p.Met2057Val (NM_001370136.1, NM_001370137.1); c.5104A>G, p.Met1702Val (NM_001370143.1, NM_001370144.1); short protein forms M1276V, M1362V, M1494V, M1874V, M1702V, M1711V, M1765V, M2057V.
Identifiers: ClinVar variation 4753121 (VCV004753121.1).

ClinVar aggregate classification (germline): Uncertain significance (1 of 4 stars; one submission).

Conditions:
Genitopatellar syndrome (GTPTS). Also called: Genitopatellar syndrome (GPS); ABSENT PATELLAE, SCROTAL HYPOPLASIA, RENAL ANOMALIES, FACIAL DYSMORPHISM, AND MENTAL RETARDATION. Identifiers: Orphanet 85201, MedGen C1853566, MONDO:0011640, OMIM 606170.

gnomAD v4.1: 3 of 1,614,104 alleles (0.00019%); highest among the groups gnomAD compares: African/African-American, 0.0013%; no homozygotes.

Submission:

Labcorp Genetics (formerly Invitae), Labcorp
Classification: Uncertain significance for Genitopatellar syndrome. Last evaluated: 2025-06-08. Review status: criteria provided, single submitter. Criteria: Invitae Variant Classification Sherloc (09022015). Collection method: clinical testing. Allele origin: germline.
Comment: This sequence change replaces methionine, which is neutral and non-polar, with valine, which is neutral and non-polar, at codon 2057 of the KAT6B protein (p.Met2057Val). This variant is present in population databases (rs779699152, gnomAD 0.004%). This variant has not been reported in the literature in individuals affected with KAT6B-related conditions. An algorithm developed to predict the effect of missense changes on protein structure and function (PolyPhen-2) suggests that this variant is likely to be disruptive. In summary, the available evidence is currently insufficient to determine the role of this variant in disease. Therefore, it has been classified as a Variant of Uncertain Significance.